The following is an entry in ClinVar:

ClinVar aggregate classification (germline): Uncertain significance. Review status: criteria provided, multiple submitters, no conflicts (2 of 4 stars). 2 submissions from 2 submitters: Uncertain significance (2). Last evaluated 2024-08-20.

Conditions:
Neonatal-onset encephalopathy with rigidity and seizures. Also called: Lethal neonatal spasticity-epileptic encephalopathy syndrome. Identifiers: Orphanet 435845, MedGen C3281029, MONDO:0013784, OMIM 614498.
Inborn genetic diseases. Identifiers: MedGen C0950123, MeSH D030342.

Allele frequency attached by ClinVar (database versions not stated): gnomAD 0.00002; gnomAD exomes 0.00002 and 0.00003; TOPMed 0.00002; ExAC 0.00005.
gnomAD v4.1: 28 of 1,609,582 alleles (0.0017%); highest among the groups gnomAD compares: Admixed American, 0.025%; no homozygotes.

Submissions (2):

Ambry Genetics
Classification: Uncertain significance for Inborn genetic diseases. Last evaluated: 2024-08-20. Review status: criteria provided, single submitter. Criteria: Ambry Variant Classification Scheme 2023. Collection method: clinical testing. Allele origin: germline.

Labcorp Genetics (formerly Invitae), Labcorp
Classification: Uncertain significance for Neonatal-onset encephalopathy with rigidity and seizures. Last evaluated: 2022-11-03. Review status: criteria provided, single submitter. Criteria: Invitae Variant Classification Sherloc (09022015). Collection method: clinical testing. Allele origin: germline.
Comment: This sequence change replaces aspartic acid, which is acidic and polar, with asparagine, which is neutral and polar, at codon 766 of the BRAT1 protein (p.Asp766Asn). This variant is present in population databases (rs766164248, gnomAD 0.02%). This missense change has been observed in individual(s) with epilepsy (Invitae). ClinVar contains an entry for this variant (Variation ID: 577573). Advanced modeling of protein sequence and biophysical properties (such as structural, functional, and spatial information, amino acid conservation, physicochemical variation, residue mobility, and thermodynamic stability) performed at Invitae indicates that this missense variant is not expected to disrupt BRAT1 protein function. In summary, the available evidence is currently insufficient to determine the role of this variant in disease. Therefore, it has been classified as a Variant of Uncertain Significance.

NM_152743.4(BRAT1):c.2296G>A (p.Asp766Asn)

Gene: BRAT1 (BRCA1 associated ATM activator 1; minus strand). Cytogenetic location: 7p22.3.
Variant type: single nucleotide variant.
Coding change: c.2296G>A on transcript NM_152743.4 (MANE Select); coding-DNA position 2296, G replaced by A.
Protein change: p.Asp766Asn; replaces aspartic acid 766 with asparagine.
Molecular consequence: missense variant. On other transcripts: non-coding transcript variant (1).
Genome position (GRCh38, 1-based): chr7:2,538,239, C>T on the plus strand (G>A on the coding strand, the complement: BRAT1 is on the minus strand). VCF-style: chr7-2538239-C-T. GRCh37 (hg19) VCF-style: chr7-2577873-C-T.
Other names: c.2476G>A, p.Asp826Asn (NM_001350626.2); c.1771G>A, p.Asp591Asn (NM_001350627.2); short protein forms D766N, D826N, D591N.
Identifiers: ClinVar variation 577573 (VCV000577573.6), dbSNP rs766164248, ClinGen allele CA4127399.